The following is an entry in ClinVar:

NM_000492.4(CFTR):c.3468+2109T>C

Genes: CFTR (CF transmembrane conductance regulator; plus strand), CFTR-AS2 (CFTR antisense RNA 2; minus strand), LOC113633875 (CFTR intron 18a DNase I hypersensitive site; plus strand). Cytogenetic location: 7q31.2.
Variant type: single nucleotide variant.
Coding change: c.3468+2109T>C on transcript NM_000492.4 (MANE Select); 2109 bases into the intron after coding-DNA position 3468, T replaced by C.
Molecular consequence: intron variant.
Genome position (GRCh38, 1-based): chr7:117,616,822, T>C. VCF-style: chr7-117616822-T-C. GRCh37 (hg19) VCF-style: chr7-117256876-T-C.
Identifiers: ClinVar variation 495933 (VCV000495933.2), dbSNP rs213982, ClinGen allele CA164970393.

ClinVar aggregate classification (germline): Benign. Review status: criteria provided, single submitter (1 of 4 stars). 2 submissions from 2 submitters: Benign (1). 1 of the submissions does not count toward it. Last evaluated 2017-03-08.

Conditions:
Cystic fibrosis (CF). Also called: MUCOVISCIDOSIS. Identifiers: Orphanet 586, MedGen C0010674, MONDO:0009061, OMIM 219700. Disease mechanism: loss of function.

Allele frequency attached by ClinVar (database versions not stated): gnomAD 0.02368 and 0.02226; TOPMed 0.02502; 1000 Genomes Project 30x 0.02764; 1000 Genomes Project 0.02476.
gnomAD v4.1: 3,356 of 152,288 alleles (2.2%); highest among the groups gnomAD compares: African/African-American, 7.5%; 115 homozygotes.

Submissions (2):

Women's Health and Genetics/Laboratory Corporation of America, LabCorp
Classification: Benign. Last evaluated: 2017-03-08. Review status: criteria provided, single submitter. Criteria: LabCorp Variant Classification Summary - May 2015. Collection method: clinical testing. Allele origin: germline.
Comment: Variant summary: The CFTR c.3468+2109T>C variant involves the alteration of a non-conserved intronic nucleotide. One in silico tool predicts a benign outcome for this variant. 5/5 splice prediction tools predict no significant impact on normal splicing. However, these predictions have yet to be confirmed by functional studies. This variant was found in the 1000G population in 114/5008 control chromosomes at a frequency of 0.0227636, which is approximately 2 times the estimated maximal expected allele frequency of a pathogenic CFTR variant (0.0129603), primarily observed in the African subpopulation at a frequency of 0.0809 (107/1322 including 5 homozygotes), strong evidence this variant is a benign polymorphism. The large and broad gnomad control population, which includes 1000G individuals, reports the variant at a frequency of 0.02168, also mainly in the African cohort at a frequency of 0.07457, confirming the high frequency in the control population. The variant of interest has not, to our knowledge, been reported in affected individuals via publications and/or reputable databases/clinical diagnostic laboratories; nor evaluated for functional impact by in vivo/vitro studies. Taken together, this variant is classified as benign.

Natera, Inc.
Classification: Benign for Cystic Fibrosis. Last evaluated: 2020-09-16. Review status: no assertion criteria provided. Collection method: clinical testing. Allele origin: germline. Not counted in ClinVar's aggregate classification.